The following is an entry in ClinVar:

NM_015179.4(RRP12):c.3196G>A (p.Ala1066Thr)

Gene: RRP12 (ribosomal RNA processing 12 homolog; minus strand). Cytogenetic location: 10q24.1.
Variant type: single nucleotide variant.
Coding change: c.3196G>A on transcript NM_015179.4 (MANE Select); coding-DNA position 3196, G replaced by A.
Protein change: p.Ala1066Thr; replaces alanine 1066 with threonine.
Molecular consequence: missense variant.
Genome position (GRCh38, 1-based): chr10:97,366,761, C>T on the plus strand (G>A on the coding strand, the complement: RRP12 is on the minus strand). VCF-style: chr10-97366761-C-T. GRCh37 (hg19) VCF-style: chr10-99126518-C-T.
Other names: c.3013G>A, p.Ala1005Thr (NM_001145114.1); c.2896G>A, p.Ala966Thr (NM_001284337.2); short protein forms A1005T, A1066T, A966T.
Identifiers: ClinVar variation 4891127 (VCV004891127.1).

ClinVar aggregate classification (germline): Uncertain significance (1 of 4 stars; one submission).

gnomAD v4.1: 1,251 of 1,613,616 alleles (0.078%); highest among the groups gnomAD compares: Non-Finnish European, 0.092%; no homozygotes.

Submission:

Greenwood Genetic Center Diagnostic Laboratories, Greenwood Genetic Center
Classification: Uncertain significance. Last evaluated: 2026-06-03. Review status: criteria provided, single submitter. Criteria: ACMG Guidelines, 2015. Collection method: clinical testing. Allele origin: germline.
Comment: BP4